The following is an entry in ClinVar:

ClinVar aggregate classification (germline): Uncertain significance. Review status: criteria provided, single submitter (1 of 4 stars). 2 submissions from 1 submitter: Uncertain significance (2). Last evaluated 2023-09-03.

Conditions:
Charcot-Marie-Tooth disease type 1C. Also called: CHARCOT-MARIE-TOOTH DISEASE, DEMYELINATING, TYPE 1C; CHARCOT-MARIE-TOOTH NEUROPATHY, TYPE 1C; NEUROPATHY, HEREDITARY MOTOR AND SENSORY, TYPE IC; Charcot-Marie-Tooth disease, type IC; CMT, SLOW NERVE CONDUCTION TYPE C; HMSN IC. Identifiers: Orphanet 101083, MedGen C0270913, MONDO:0010995, OMIM 601098.
MHC class II deficiency. Also called: BLS, TYPE II; Bare lymphocyte syndrome 2. Identifiers: Orphanet 572, MedGen C5447452, MONDO:0008855.

Submissions (2):

Labcorp Genetics (formerly Invitae), Labcorp
Classification: Uncertain significance for MHC class II deficiency. Last evaluated: 2023-09-03. Review status: criteria provided, single submitter. Criteria: Invitae Variant Classification Sherloc (09022015). Collection method: clinical testing. Allele origin: germline.
Comment: A copy number gain of the genomic region encompassing the full coding sequence of the CIITA gene has been identified. The boundaries of this event are unknown as they extend beyond the assayed region for this gene and therefore may encompass additional genes. As the precise location of this event is unknown, it may be in tandem or it may be located elsewhere in the genome. This variant has not been reported in the literature in individuals affected with CIITA-related conditions. Experimental studies and prediction algorithms are not available or were not evaluated, and the functional significance of this variant is currently unknown. In summary, the available evidence is currently insufficient to determine the role of this variant in disease. Therefore, it has been classified as a Variant of Uncertain Significance.

Labcorp Genetics (formerly Invitae), Labcorp
Classification: Uncertain significance for Charcot-Marie-Tooth disease type 1C. Last evaluated: 2022-10-19. Review status: criteria provided, single submitter. Criteria: Invitae Variant Classification Sherloc (09022015). Collection method: clinical testing. Allele origin: germline.
Comment: A copy number gain of the genomic region encompassing the full coding sequence of the LITAF gene has been identified. The boundaries of this event are unknown as they extend beyond the assayed region for this gene and therefore may encompass additional genes. As the precise location of this event is unknown, it may be in tandem or it may be located elsewhere in the genome. This variant has not been reported in the literature in individuals affected with LITAF-related conditions. In summary, the available evidence is currently insufficient to determine the role of this variant in disease. Therefore, it has been classified as a Variant of Uncertain Significance.

NC_000016.9:g.(?_8829597)_(11650586_?)dup

Genes: ABAT (4-aminobutyrate aminotransferase; plus strand), ATF7IP2 (activating transcription factor 7 interacting protein 2; plus strand), CARHSP1 (calcium regulated heat stable protein 1; minus strand), CIITA (class II major histocompatibility complex transactivator; plus strand), CLEC16A (C-type lectin domain containing 16A; plus strand) and 17 more. Cytogenetic location: 16p13.2-13.13.
Variant type: Duplication.
Identifiers: ClinVar variation 1480512 (VCV001480512.5).